The following is an entry in ClinVar:

NM_020843.4(SCAPER):c.977A>G (p.Glu326Gly)

Gene: SCAPER (S-phase cyclin A associated protein in the ER; minus strand). Cytogenetic location: 15q24.3.
Variant type: single nucleotide variant.
Coding change: c.977A>G on transcript NM_020843.4 (MANE Select); coding-DNA position 977, A replaced by G.
Protein change: p.Glu326Gly; replaces glutamic acid 326 with glycine.
Molecular consequence: missense variant. On other transcripts: non-coding transcript variant (1).
Genome position (GRCh38, 1-based): chr15:76,774,913, T>C on the plus strand (A>G on the coding strand, the complement: SCAPER is on the minus strand). VCF-style: chr15-76774913-T-C. GRCh37 (hg19) VCF-style: chr15-77067254-T-C.
Other names: c.239A>G, p.Glu80Gly (NM_001145923.2); c.977A>G, p.Glu326Gly (NM_001353009.2); c.575A>G, p.Glu192Gly (NM_001353010.2, NM_001353011.2, NM_001353012.2); short protein forms E326G, E192G, E80G.
Identifiers: ClinVar variation 790286 (VCV000790286.10), dbSNP rs186407258, ClinGen allele CA7675055.
Genomic context (GRCh38, chr15:76,774,913, plus strand): 5'-ACCTGGGTTTTTTCGGCAAGAGGATGGTCACAAGAGTGTAATGAGTCTTTGGGATGAGAT[T>C]CTATAGTATTAGAAGTTCCATCTCCAACAAATTGACCTTTCTGTATGCTTTCATCAGGTA-3'
Protein context (NP_065894.2, residues 316-336): FVGDGTSNTI[Glu326Gly]SHPKDSLHSC

ClinVar aggregate classification (germline): Benign/Likely benign. Review status: criteria provided, multiple submitters, no conflicts (2 of 4 stars). 4 submissions from 4 submitters: Benign (2); Likely benign (2). Last evaluated 2026-01-01.

Allele frequency attached by ClinVar (database versions not stated): 1000 Genomes Project 0.00060; 1000 Genomes Project 30x 0.00062; gnomAD 0.00180 and 0.00182; ExAC 0.00181; TOPMed 0.00181; gnomAD exomes 0.00201; ESP Exome Variant Server 0.00244.
gnomAD v4.1: 3,395 of 1,613,676 alleles (0.21%); highest among the groups gnomAD compares: Non-Finnish European, 0.21%; 12 homozygotes.

Submissions (4):

CeGaT Center for Human Genetics Tuebingen
Classification: Likely benign. Last evaluated: 2026-01-01. Review status: criteria provided, single submitter. Criteria: CeGaT Center For Human Genetics Tuebingen Variant Classification Criteria Version 2. Collection method: clinical testing. Allele origin: germline. Affected: yes. Observed: 1 variant allele.
Comment: SCAPER: BP4, BS2

Blueprint Genetics
Classification: Likely benign. Last evaluated: 2024-10-31. Review status: criteria provided, single submitter. Criteria: ACMG Guidelines, 2015. Collection method: clinical testing. Allele origin: germline.

Labcorp Genetics (formerly Invitae), Labcorp
Classification: Benign. Last evaluated: 2019-12-31. Review status: criteria provided, single submitter. Criteria: Invitae Variant Classification Sherloc (09022015). Collection method: clinical testing. Allele origin: germline.

Breakthrough Genomics
Classification: Benign. Review status: criteria provided, single submitter. Criteria: ACMG Guidelines, 2015. Collection method: not provided. Allele origin: germline. Inheritance: Autosomal recessive inheritance. Affected: yes.